The following is an entry in ClinVar:

ClinVar aggregate classification (germline): Pathogenic/Likely pathogenic. Review status: criteria provided, multiple submitters, no conflicts (2 of 4 stars). 2 submissions from 2 submitters: Pathogenic (1); Likely pathogenic (1). Last evaluated 2022-05-12.

Conditions:
Muscular dystrophy-dystroglycanopathy (congenital with brain and eye anomalies), type a, 8 (MDDGA8). Also called: WALKER-WARBURG SYNDROME OR MUSCLE-EYE-BRAIN DISEASE, GTDC2-RELATED. Identifiers: Orphanet 899, MedGen C3553813, MONDO:0013904, OMIM 614830.

Submissions (2):

Labcorp Genetics (formerly Invitae), Labcorp
Classification: Pathogenic for Muscular dystrophy-dystroglycanopathy (congenital with brain and eye anomalies), type a, 8. Last evaluated: 2022-05-12. Review status: criteria provided, single submitter. Criteria: Invitae Variant Classification Sherloc (09022015). Collection method: clinical testing. Allele origin: germline.
Comment: This variant has not been reported in the literature in individuals affected with POMGNT2-related conditions. This variant is not present in population databases (gnomAD no frequency). This sequence change creates a premature translational stop signal (p.Ala420Leufs*46) in the POMGNT2 gene. While this is not anticipated to result in nonsense mediated decay, it is expected to disrupt the last 161 amino acid(s) of the POMGNT2 protein. ClinVar contains an entry for this variant (Variation ID: 817989). For these reasons, this variant has been classified as Pathogenic. This variant disrupts a region of the POMGNT2 protein in which other variant(s) (p.Glu519*) have been determined to be pathogenic (Invitae). This suggests that this is a clinically significant region of the protein, and that variants that disrupt it are likely to be disease-causing.

GeneDx
Classification: Likely pathogenic. Last evaluated: 2019-01-15. Review status: criteria provided, single submitter. Criteria: GeneDx Variant Classification (06012015). Collection method: clinical testing. Allele origin: germline. Affected: yes.
Comment: The c.1258delG variant in the POMGNT2 gene has not been reported previously as a pathogenic variant nor as a benign variant, to our knowledge. The c.1258delG variant causes a frameshift starting with codon Alanine 420, changes this amino acid to a Leucine residue, and creates a premature Stop codon at position 46 of the new reading frame, denoted p.Ala420LeufsX46. This frameshift variant in the C-terminus is predicted to result in protein truncation, as the last 161 amino acids are lost and replaced with 45 incorrect amino acids (Stenson et al., 2014). The c.1258delG variant is not observed in large population cohorts (Lek et al., 2016). We interpret c.1258delG as a likely pathogenic variant.

NM_032806.6(POMGNT2):c.1258del (p.Ala420fs)

Gene: POMGNT2 (protein O-linked mannose N-acetylglucosaminyltransferase 2 (beta 1,4-); minus strand). Cytogenetic location: 3p22.1.
Variant type: Deletion.
Coding change: c.1258del on transcript NM_032806.6 (MANE Select); coding-DNA position 1258, one base deleted (G; older notation c.1258delG).
Protein change: p.Ala420fs; shifts the reading frame from alanine 420.
Molecular consequence: frameshift variant.
Genome position (GRCh38, 1-based): chr3:43,080,174, C deleted on the plus strand (G on the coding strand, the reverse complement: POMGNT2 is on the minus strand); the first of 3 consecutive C bases (chr3:43,080,174-43,080,176); deleting any one gives the same sequence. VCF-style (leftmost placement, unchanged base first): chr3-43080173-GC-G. GRCh37 (hg19) VCF-style: chr3-43121665-GC-G.
Other names: short protein forms A420fs.
Identifiers: ClinVar variation 817989 (VCV000817989.5), dbSNP rs1575461722, ClinGen allele CA915942369.